The following is an entry in ClinVar:

NM_001563.4(IMPG1):c.116C>T (p.Pro39Leu)

Gene: IMPG1 (interphotoreceptor matrix proteoglycan 1; minus strand). Cytogenetic location: 6q14.1.
Variant type: single nucleotide variant.
Coding change: c.116C>T on transcript NM_001563.4 (MANE Select); coding-DNA position 116, C replaced by T.
Protein change: p.Pro39Leu; replaces proline 39 with leucine.
Molecular consequence: missense variant. On other transcripts: intron variant (1).
Genome position (GRCh38, 1-based): chr6:76,042,078, G>A on the plus strand (C>T on the coding strand, the complement: IMPG1 is on the minus strand). VCF-style: chr6-76042078-G-A. GRCh37 (hg19) VCF-style: chr6-76751795-G-A.
Other names: c.68-7291C>T (NM_001282368.2); short protein forms P39L.
Identifiers: ClinVar variation 2812520 (VCV002812520.3), dbSNP rs772475454, ClinGen allele CA364829934.

ClinVar aggregate classification (germline): Uncertain significance (1 of 4 stars; one submission).

Submission:

Labcorp Genetics (formerly Invitae), Labcorp
Classification: Uncertain significance. Last evaluated: 2024-09-01. Review status: criteria provided, single submitter. Criteria: Invitae Variant Classification Sherloc (09022015). Collection method: clinical testing. Allele origin: germline.
Comment: This sequence change replaces proline, which is neutral and non-polar, with leucine, which is neutral and non-polar, at codon 39 of the IMPG1 protein (p.Pro39Leu). This variant is not present in population databases (gnomAD no frequency). This variant has not been reported in the literature in individuals affected with IMPG1-related conditions. An algorithm developed to predict the effect of missense changes on protein structure and function (PolyPhen-2) suggests that this variant is likely to be tolerated. In summary, the available evidence is currently insufficient to determine the role of this variant in disease. Therefore, it has been classified as a Variant of Uncertain Significance.